The following is an entry in ClinVar:

ClinVar aggregate classification (germline): Uncertain significance. Review status: criteria provided, multiple submitters, no conflicts (2 of 4 stars). 2 submissions from 2 submitters: Uncertain significance (2). Last evaluated 2023-03-04.

Conditions:
Malignant hyperthermia, susceptibility to, 1 (MHS1). Also called: RYR1-Related Malignant Hyperthermia Susceptibility; Malignant hyperthermia suceptibility 1; Anesthesia related hyperthermia; Malignant hyperpyrexia; Fulminating hyperpyrexia; Pharmacogenic myopathy. Identifiers: Orphanet 423, MedGen C2930980, MONDO:0007783, OMIM 145600.
RYR1-related disorder. Also called: RYR1-related condition; RYR1-related disorders. Identifiers: MedGen CN239331.

Allele frequency attached by ClinVar (database versions not stated): gnomAD exomes below 0.00001 and 0.00001.
gnomAD v4.1: 2 of 1,613,562 alleles (0.00012%); highest among the groups gnomAD compares: East Asian, 0.0022%; no homozygotes.

Submissions (2):

All of Us Research Program, National Institutes of Health
Classification: Uncertain significance for Malignant hyperthermia, susceptibility to, 1. Last evaluated: 2023-03-04. Review status: criteria provided, single submitter. Criteria: ACMG Guidelines, 2015. Collection method: clinical testing. Allele origin: germline. Inheritance: Autosomal dominant inheritance. Observed: 1 variant allele, 1 heterozygote.
Comment: This study involves interpretation of variants in research participants for the purpose of population health screening. Participant phenotype was not available at the time of variant classification. Additional details can be found in publication PMID: 35346344, PMCID: PMC8962531

Labcorp Genetics (formerly Invitae), Labcorp
Classification: Uncertain significance for RYR1-related disorder. Last evaluated: 2022-02-10. Review status: criteria provided, single submitter. Criteria: Invitae Variant Classification Sherloc (09022015). Collection method: clinical testing. Allele origin: germline.
Comment: This variant is present in population databases (no rsID available, gnomAD 0.006%). In summary, the available evidence is currently insufficient to determine the role of this variant in disease. Therefore, it has been classified as a Variant of Uncertain Significance. Algorithms developed to predict the effect of missense changes on protein structure and function are either unavailable or do not agree on the potential impact of this missense change (SIFT: "Deleterious"; PolyPhen-2: "Benign"; Align-GVGD: "Class C0"). ClinVar contains an entry for this variant (Variation ID: 949763). This variant has not been reported in the literature in individuals affected with RYR1-related conditions. This sequence change replaces isoleucine, which is neutral and non-polar, with threonine, which is neutral and polar, at codon 2281 of the RYR1 protein (p.Ile2281Thr).

NM_000540.3(RYR1):c.6842T>C (p.Ile2281Thr)

Gene: RYR1 (ryanodine receptor 1; plus strand). Cytogenetic location: 19q13.2.
Variant type: single nucleotide variant.
Coding change: c.6842T>C on transcript NM_000540.3 (MANE Select); coding-DNA position 6842, T replaced by C.
Protein change: p.Ile2281Thr; replaces isoleucine 2281 with threonine.
Molecular consequence: missense variant.
Genome position (GRCh38, 1-based): chr19:38,496,905, T>C. VCF-style: chr19-38496905-T-C. GRCh37 (hg19) VCF-style: chr19-38987545-T-C.
Other names: c.6842T>C, p.Ile2281Thr (NM_001042723.2); short protein forms I2281T.
Identifiers: ClinVar variation 949763 (VCV000949763.10), dbSNP rs1230617762, ClinGen allele CA405666539.